The following is an entry in ClinVar:

NM_024422.6(DSC2):c.2075T>A (p.Leu692His)

Gene: DSC2 (desmocollin 2; minus strand). Cytogenetic location: 18q12.1.
Variant type: single nucleotide variant.
Coding change: c.2075T>A on transcript NM_024422.6 (MANE Select); coding-DNA position 2075, T replaced by A.
Protein change: p.Leu692His; replaces leucine 692 with histidine.
Molecular consequence: missense variant.
Genome position (GRCh38, 1-based): chr18:31,071,655, A>T on the plus strand (T>A on the coding strand, the complement: DSC2 is on the minus strand). VCF-style: chr18-31071655-A-T. GRCh37 (hg19) VCF-style: chr18-28651621-A-T.
Other names: c.1646T>A, p.Leu549His (NM_001406506.1, NM_001406507.1); c.2075T>A, p.Leu692His (NM_004949.5); short protein forms L549H, L692H.
Identifiers: ClinVar variation 3070494 (VCV003070494.1), dbSNP rs1567972995, ClinGen allele CA402112877.

ClinVar aggregate classification (germline): Uncertain significance (1 of 4 stars; one submission).

Conditions:
Familial isolated arrhythmogenic right ventricular dysplasia. Identifiers: Orphanet 217656, MedGen C4274968, MONDO:0016342.

Submission:

All of Us Research Program, National Institutes of Health
Classification: Uncertain significance for Familial isolated arrhythmogenic right ventricular dysplasia. Last evaluated: 2023-04-27. Review status: criteria provided, single submitter. Criteria: ACMG Guidelines, 2015. Collection method: clinical testing. Allele origin: germline. Inheritance: Autosomal dominant inheritance. Observed: 1 variant allele, 1 heterozygote.
Comment: This study involves interpretation of variants in research participants for the purpose of population health screening. Participant phenotype was not available at the time of variant classification. Additional details can be found in publication PMID: 35346344, PMCID: PMC8962531